The following is an entry in ClinVar:

NM_001039141.3(TRIOBP):c.6472+33G>A

Gene: TRIOBP (TRIO and F-actin binding protein; plus strand). Cytogenetic location: 22q13.1.
Variant type: single nucleotide variant.
Coding change: c.6472+33G>A on transcript NM_001039141.3 (MANE Select); 33 bases into the intron after coding-DNA position 6472, G replaced by A.
Molecular consequence: intron variant.
Genome position (GRCh38, 1-based): chr22:37,765,850, G>A. VCF-style: chr22-37765850-G-A. GRCh37 (hg19) VCF-style: chr22-38161857-G-A.
Other names: c.1333+33G>A (NM_007032.5).
Identifiers: ClinVar variation 684140 (VCV000684140.1), dbSNP rs115232053, ClinGen allele CA10225068.

ClinVar aggregate classification (germline): Likely benign (1 of 4 stars; one submission).

Allele frequency attached by ClinVar (database versions not stated): gnomAD exomes 0.00069 and 0.00155; ExAC 0.00210; ESP Exome Variant Server 0.00573; gnomAD 0.00762 and 0.00816; TOPMed 0.00809; 1000 Genomes Project 0.00819; 1000 Genomes Project 30x 0.00874.
gnomAD v4.1: 2,152 of 1,574,344 alleles (0.14%); highest among the groups gnomAD compares: African/African-American, 2.7%; 32 homozygotes.

Submission:

GeneDx
Classification: Likely benign. Last evaluated: 2018-06-16. Review status: criteria provided, single submitter. Criteria: GeneDx Variant Classification (06012015). Collection method: clinical testing. Allele origin: germline. Affected: yes.
Comment: This variant is considered likely benign or benign based on one or more of the following criteria: it is a conservative change, it occurs at a poorly conserved position in the protein, it is predicted to be benign by multiple in silico algorithms, and/or has population frequency not consistent with disease.